The following is an entry in ClinVar:

ClinVar aggregate classification (germline): Uncertain significance (1 of 4 stars; one submission).

gnomAD v4.1: 2 of 1,614,186 alleles (0.00012%); highest among the groups gnomAD compares: Non-Finnish European, 0.00017%; no homozygotes.

Submission:

Labcorp Genetics (formerly Invitae), Labcorp
Classification: Uncertain significance. Last evaluated: 2024-11-01. Review status: criteria provided, single submitter. Criteria: Invitae Variant Classification Sherloc (09022015). Collection method: clinical testing. Allele origin: germline.
Comment: This sequence change replaces glycine, which is neutral and non-polar, with aspartic acid, which is acidic and polar, at codon 3082 of the MACF1 protein (p.Gly3082Asp). This variant is present in population databases (no rsID available, gnomAD 0.0009%). This variant has not been reported in the literature in individuals affected with MACF1-related conditions. An algorithm developed to predict the effect of missense changes on protein structure and function (PolyPhen-2) suggests that this variant is likely to be tolerated. In summary, the available evidence is currently insufficient to determine the role of this variant in disease. Therefore, it has been classified as a Variant of Uncertain Significance.

NM_001394062.1(MACF1):c.15431G>A (p.Gly5144Asp)

Gene: MACF1 (microtubule actin crosslinking factor 1; plus strand). Cytogenetic location: 1p34.3.
Variant type: single nucleotide variant.
Coding change: c.15431G>A on transcript NM_001394062.1 (MANE Select); coding-DNA position 15431, G replaced by A.
Protein change: p.Gly5144Asp; replaces glycine 5144 with aspartic acid.
Molecular consequence: missense variant.
Genome position (GRCh38, 1-based): chr1:39,388,273, G>A. VCF-style: chr1-39388273-G-A. GRCh37 (hg19) VCF-style: chr1-39853945-G-A.
Other names: c.9245G>A, p.Gly3082Asp (NM_012090.5); short protein forms G3082D, G5144D.
Identifiers: ClinVar variation 3675781 (VCV003675781.2).